The following is an entry in ClinVar:

ClinVar aggregate classification (germline): Likely benign. Review status: criteria provided, multiple submitters, no conflicts (2 of 4 stars). 3 submissions from 3 submitters: Likely benign (3). Last evaluated 2023-12-01.

Conditions:
Malignant hyperthermia, susceptibility to, 5 (MHS5). Also called: CACNA1S-Related Malignant Hyperthermia Susceptibility. Identifiers: Orphanet 423, MedGen C1866077, MONDO:0011163, OMIM 601887.
Hypokalemic periodic paralysis, type 1. Also called: HypoPP; Hypokalemic Periodic Paralysis Type 1 (AD). Identifiers: Orphanet 681, MedGen C3714580, MONDO:0042979, OMIM 170400.

Allele frequency attached by ClinVar (database versions not stated): TOPMed 0.00001; ExAC 0.00002; gnomAD 0.00002; gnomAD exomes 0.00002 and 0.00004; ESP Exome Variant Server 0.00008.

Submissions (3):

All of Us Research Program, National Institutes of Health
Classification: Likely benign for Malignant hyperthermia, susceptibility to, 5. Last evaluated: 2023-12-01. Review status: criteria provided, single submitter. Criteria: ACMG Guidelines, 2015. Collection method: clinical testing. Allele origin: germline. Inheritance: Autosomal dominant inheritance. Observed: 9 variant alleles, 9 heterozygotes.
Comment: This study involves interpretation of variants in research participants for the purpose of population health screening. Participant phenotype was not available at the time of variant classification. Additional details can be found in publication PMID: 35346344, PMCID: PMC8962531

Labcorp Genetics (formerly Invitae), Labcorp
Classification: Likely benign for Hypokalemic periodic paralysis, type 1; Malignant hyperthermia, susceptibility to, 5. Last evaluated: 2023-11-02. Review status: criteria provided, single submitter. Criteria: Invitae Variant Classification Sherloc (09022015). Collection method: clinical testing. Allele origin: germline.

Color Diagnostics, LLC DBA Color Health
Classification: Likely benign for Malignant hyperthermia, susceptibility to, 5. Last evaluated: 2022-11-06. Review status: criteria provided, single submitter. Criteria: ACMG Guidelines, 2015. Collection method: clinical testing. Allele origin: germline.

NM_000069.3(CACNA1S):c.2166C>T (p.Ile722=)

Gene: CACNA1S (calcium voltage-gated channel subunit alpha1 S; minus strand). Cytogenetic location: 1q32.1.
Variant type: single nucleotide variant.
Coding change: c.2166C>T on transcript NM_000069.3 (MANE Select); coding-DNA position 2166, C replaced by T.
Protein change: p.Ile722=; no amino-acid change (isoleucine 722 retained).
Molecular consequence: synonymous variant.
Genome position (GRCh38, 1-based): chr1:201,072,816, G>A on the plus strand (C>T on the coding strand, the complement: CACNA1S is on the minus strand). VCF-style: chr1-201072816-G-A. GRCh37 (hg19) VCF-style: chr1-201041944-G-A.
Identifiers: ClinVar variation 1079900 (VCV001079900.11), dbSNP rs369317595, ClinGen allele CA078858.
Genomic context (GRCh38, chr1:201,072,816, plus strand): 5'-TGGGAAGTCGGCTGAGGGGTAGGGATCCTTCACCTCATTGACATTAGATTCAAACTCATC[G>A]ATTTTCAGCTGTAGGAAGGAACACAATGACTATAACAATGAAAAAGAAGTTGCGGTTTCC-3'
Protein context (NP_000060.2, residues 712-732): EGIPTTAKLK[Ile722=]DEFESNVNEV